The following is an entry in ClinVar:

NM_000069.3(CACNA1S):c.2007C>A (p.Ser669Arg)

Gene: CACNA1S (calcium voltage-gated channel subunit alpha1 S; minus strand). Cytogenetic location: 1q32.1.
Variant type: single nucleotide variant.
Coding change: c.2007C>A on transcript NM_000069.3 (MANE Select); coding-DNA position 2007, C replaced by A.
Protein change: p.Ser669Arg; replaces serine 669 with arginine.
Molecular consequence: missense variant.
Genome position (GRCh38, 1-based): chr1:201,074,562, G>T on the plus strand (C>A on the coding strand, the complement: CACNA1S is on the minus strand). VCF-style: chr1-201074562-G-T. GRCh37 (hg19) VCF-style: chr1-201043690-G-T.
Other names: short protein forms S669R.
Identifiers: ClinVar variation 3386365 (VCV003386365.1).

ClinVar aggregate classification (germline): Uncertain significance (1 of 4 stars; one submission).

Conditions:
Malignant hyperthermia, susceptibility to, 5 (MHS5). Also called: CACNA1S-Related Malignant Hyperthermia Susceptibility. Identifiers: Orphanet 423, MedGen C1866077, MONDO:0011163, OMIM 601887.

gnomAD v4.1: 1 of 1,614,108 alleles (0.000062%); highest among the groups gnomAD compares: South Asian, 0.0011%; no homozygotes.

Submission:

All of Us Research Program, National Institutes of Health
Classification: Uncertain significance for Malignant hyperthermia, susceptibility to, 5. Last evaluated: 2024-07-10. Review status: criteria provided, single submitter. Criteria: ACMG Guidelines, 2015. Collection method: clinical testing. Allele origin: germline. Inheritance: Autosomal dominant inheritance. Observed: 1 variant allele, 1 heterozygote.
Comment: This missense variant replaces serine with arginine at codon 669 of the CACNA1S protein. Computational prediction is inconclusive regarding the impact of this variant on protein structure and function (internally defined REVEL score threshold 0.5 < inconclusive < 0.7, PMID: 27666373). To our knowledge, functional studies have not been reported for this variant. This variant has not been reported in individuals affected with CACNA1S-related disorders in the literature. This variant has not been identified in the general population by the Genome Aggregation Database (gnomAD). The available evidence is insufficient to determine the role of this variant in disease conclusively. Therefore, this variant is classified as a Variant of Uncertain Significance.

This study involves interpretation of variants in research participants for the purpose of population health screening. Participant phenotype was not available at the time of variant classification. Additional details can be found in publication PMID: 35346344, PMCID: PMC8962531